The following is an entry in ClinVar:

NM_001145809.2(MYH14):c.5563C>A (p.Leu1855Ile)

Gene: MYH14 (myosin heavy chain 14; plus strand). Cytogenetic location: 19q13.33.
Variant type: single nucleotide variant.
Coding change: c.5563C>A on transcript NM_001145809.2 (MANE Select); coding-DNA position 5563, C replaced by A.
Protein change: p.Leu1855Ile; replaces leucine 1855 with isoleucine.
Molecular consequence: missense variant.
Genome position (GRCh38, 1-based): chr19:50,301,754, C>A. VCF-style: chr19-50301754-C-A. GRCh37 (hg19) VCF-style: chr19-50805011-C-A.
Other names: c.5464C>A, p.Leu1822Ile (NM_001077186.2); c.5440C>A, p.Leu1814Ile (NM_024729.4); short protein forms L1855I, L1814I, L1822I.
Identifiers: ClinVar variation 2834896 (VCV002834896.3), dbSNP rs2513769832, ClinGen allele CA406964855.

ClinVar aggregate classification (germline): Uncertain significance (1 of 4 stars; one submission).

Submission:

Labcorp Genetics (formerly Invitae), Labcorp
Classification: Uncertain significance. Last evaluated: 2023-03-10. Review status: criteria provided, single submitter. Criteria: Invitae Variant Classification Sherloc (09022015). Collection method: clinical testing. Allele origin: germline.
Comment: In summary, the available evidence is currently insufficient to determine the role of this variant in disease. Therefore, it has been classified as a Variant of Uncertain Significance. Advanced modeling of protein sequence and biophysical properties (such as structural, functional, and spatial information, amino acid conservation, physicochemical variation, residue mobility, and thermodynamic stability) performed at Invitae indicates that this missense variant is expected to disrupt MYH14 protein function. This variant has not been reported in the literature in individuals affected with MYH14-related conditions. This variant is not present in population databases (gnomAD no frequency). This sequence change replaces leucine, which is neutral and non-polar, with isoleucine, which is neutral and non-polar, at codon 1814 of the MYH14 protein (p.Leu1814Ile).